The following is an entry in ClinVar:

NM_015154.3(MESD):c.106G>C (p.Gly36Arg)

Genes: MESD (mesoderm development LRP chaperone; minus strand), LOC121530597 (Sharpr-MPRA regulatory region 7880; plus strand). Cytogenetic location: 15q25.1.
Variant type: single nucleotide variant.
Coding change: c.106G>C on transcript NM_015154.3 (MANE Select); coding-DNA position 106, G replaced by C.
Protein change: p.Gly36Arg; replaces glycine 36 with arginine.
Molecular consequence: missense variant. On other transcripts: non-coding transcript variant (2).
Genome position (GRCh38, 1-based): chr15:80,989,686, C>G on the plus strand (G>C on the coding strand, the complement: MESD is on the minus strand). VCF-style: chr15-80989686-C-G. GRCh37 (hg19) VCF-style: chr15-81282027-C-G.
Other names: short protein forms G36R.
Identifiers: ClinVar variation 3652925 (VCV003652925.2).

ClinVar aggregate classification (germline): Uncertain significance (1 of 4 stars; one submission).

Submission:

Labcorp Genetics (formerly Invitae), Labcorp
Classification: Uncertain significance. Last evaluated: 2024-09-30. Review status: criteria provided, single submitter. Criteria: Invitae Variant Classification Sherloc (09022015). Collection method: clinical testing. Allele origin: germline.
Comment: This sequence change replaces glycine, which is neutral and non-polar, with arginine, which is basic and polar, at codon 36 of the MESDC2 protein (p.Gly36Arg). This variant is not present in population databases (gnomAD no frequency). This variant has not been reported in the literature in individuals affected with MESDC2-related conditions. An algorithm developed to predict the effect of missense changes on protein structure and function (PolyPhen-2) suggests that this variant is likely to be tolerated. In summary, the available evidence is currently insufficient to determine the role of this variant in disease. Therefore, it has been classified as a Variant of Uncertain Significance.